The following is an entry in ClinVar:

ClinVar aggregate classification (germline): Pathogenic (1 of 4 stars; one submission).

Conditions:
Biotinidase deficiency. Also called: BTD deficiency; Late-onset biotin-responsive multiple carboxylase deficiency; Biotin deficiency. Identifiers: Orphanet 79241, MedGen C0220754, MONDO:0009665, OMIM 253260.

Submission:

Labcorp Genetics (formerly Invitae), Labcorp
Classification: Pathogenic for Biotinidase deficiency. Last evaluated: 2020-09-02. Review status: criteria provided, single submitter. Criteria: Invitae Variant Classification Sherloc (09022015). Collection method: clinical testing. Allele origin: germline.
Comment: This variant is a gross deletion of the genomic region encompassing exon(s) 3-4 of the BTD gene. The 5' boundary is likely confined to intron 2. The 3' end of this event is unknown as it extends through the termination codon beyond the assayed region for this gene and may encompass additional genes. While this deletion is not anticipated to result in nonsense mediated decay, it is expected to create a truncated protein product or disrupt mRNA translation. This variant has not been reported in the literature in individuals with BTD-related conditions. This variant disrupts the C-terminus of the BTD protein. Other variant(s) that disrupt this region (p.Leu498Phefs*13) have been determined to be pathogenic (PMID: 17382128, 29359854, 19728141). This suggests that variants that disrupt this region of the protein are likely to be causative of disease. For these reasons, this variant has been classified as Pathogenic.

Literature cited by the submitters: PubMed 17382128; PubMed 29359854; PubMed 19728141.

NC_000003.11:g.(?_15683405)_(15687154_?)del

Gene: BTD (biotinidase; plus strand). Cytogenetic location: 3p25.1.
Variant type: Deletion.
Identifiers: ClinVar variation 1072526 (VCV001072526.8).